The following is an entry in ClinVar:

ClinVar aggregate classification (germline): Uncertain significance (1 of 4 stars; one submission).

Conditions:
Emery-Dreifuss muscular dystrophy 5, autosomal dominant (EDMD5). Also called: EMERY-DREIFUSS MUSCULAR DYSTROPHY 5. Identifiers: Orphanet 261, MedGen C2751805, MONDO:0013072, OMIM 612999.

Allele frequency attached by ClinVar (database versions not stated): gnomAD 0.00001; gnomAD exomes 0.00001; ExAC 0.00002; ESP Exome Variant Server 0.00008.
gnomAD v4.1: 10 of 1,613,622 alleles (0.00062%); highest among the groups gnomAD compares: Non-Finnish European, 0.00085%; no homozygotes.

Submission:

Labcorp Genetics (formerly Invitae), Labcorp
Classification: Uncertain significance for Emery-Dreifuss muscular dystrophy 5, autosomal dominant. Last evaluated: 2023-11-14. Review status: criteria provided, single submitter. Criteria: Invitae Variant Classification Sherloc (09022015). Collection method: clinical testing. Allele origin: germline.
Comment: This sequence change replaces leucine, which is neutral and non-polar, with phenylalanine, which is neutral and non-polar, at codon 4716 of the SYNE2 protein (p.Leu4716Phe). This variant is present in population databases (rs150956005, gnomAD 0.002%). This variant has not been reported in the literature in individuals affected with SYNE2-related conditions. An algorithm developed to predict the effect of missense changes on protein structure and function (PolyPhen-2) suggests that this variant is likely to be disruptive. In summary, the available evidence is currently insufficient to determine the role of this variant in disease. Therefore, it has been classified as a Variant of Uncertain Significance.

NM_182914.3(SYNE2):c.14146C>T (p.Leu4716Phe)

Gene: SYNE2 (spectrin repeat containing nuclear envelope protein 2; plus strand). Cytogenetic location: 14q23.2.
Variant type: single nucleotide variant.
Coding change: c.14146C>T on transcript NM_182914.3 (MANE Select); coding-DNA position 14146, C replaced by T.
Protein change: p.Leu4716Phe; replaces leucine 4716 with phenylalanine.
Molecular consequence: missense variant.
Genome position (GRCh38, 1-based): chr14:64,130,054, C>T. VCF-style: chr14-64130054-C-T. GRCh37 (hg19) VCF-style: chr14-64596772-C-T.
Other names: c.14146C>T, p.Leu4716Phe (NM_015180.6); short protein forms L4716F.
Identifiers: ClinVar variation 3014229 (VCV003014229.3), dbSNP rs150956005, ClinGen allele CA7222702.